The following is an entry in ClinVar:

NM_001145026.2(PTPRQ):c.2469T>C (p.Tyr823=)

Gene: PTPRQ (protein tyrosine phosphatase receptor type Q; plus strand). Cytogenetic location: 12q21.31.
Variant type: single nucleotide variant.
Coding change: c.2469T>C on transcript NM_001145026.2 (MANE Select); coding-DNA position 2469, T replaced by C.
Protein change: p.Tyr823=; no amino-acid change (tyrosine 823 retained).
Molecular consequence: synonymous variant.
Genome position (GRCh38, 1-based): chr12:80,506,582, T>C. VCF-style: chr12-80506582-T-C. GRCh37 (hg19) VCF-style: chr12-80900361-T-C.
Identifiers: ClinVar variation 4873269 (VCV004873269.2).
Genomic context (GRCh38, chr12:80,506,582, plus strand): 5'-AAATGATATTTTGTAAGTTTCAACTTACCTATTTGATTTCTCTTTAGTACTGAAGAAATA[T>C]ACCCAATATATCATTGAGGTGTCTGCTAGTACACTCAAAGGTGAAGGAGTTCGGAGTGCT-3'
Protein context (NP_001138498.1, residues 813-833): LTQNIKVLKK[Tyr823=]TQYIIEVSAS

ClinVar aggregate classification (germline): Likely benign (1 of 4 stars; one submission).

gnomAD v4.1: 120 of 1,532,294 alleles (0.0078%); highest among the groups gnomAD compares: Admixed American, 0.024%; no homozygotes.

Submission:

CeGaT Center for Human Genetics Tuebingen
Classification: Likely benign. Last evaluated: 2026-06-01. Review status: criteria provided, single submitter. Criteria: CeGaT Center For Human Genetics Tuebingen Variant Classification Criteria Version 2. Collection method: clinical testing. Allele origin: germline. Affected: yes. Observed: 1 variant allele.
Comment: PTPRQ: BP4, BP7